The following is an entry in ClinVar:

ClinVar aggregate classification (germline): Uncertain significance (1 of 4 stars; one submission).

Submission:

Labcorp Genetics (formerly Invitae), Labcorp
Classification: Uncertain significance. Last evaluated: 2022-11-15. Review status: criteria provided, single submitter. Criteria: Invitae Variant Classification Sherloc (09022015). Collection method: clinical testing. Allele origin: germline.
Comment: In summary, the available evidence is currently insufficient to determine the role of this variant in disease. Therefore, it has been classified as a Variant of Uncertain Significance. Variants that disrupt the consensus splice site are a relatively common cause of aberrant splicing (PMID: 17576681, 9536098). Algorithms developed to predict the effect of sequence changes on RNA splicing suggest that this variant may disrupt the consensus splice site. This variant has not been reported in the literature in individuals affected with CDK5RAP2-related conditions. This variant is not present in population databases (gnomAD no frequency). This sequence change falls in intron 30 of the CDK5RAP2 gene. It does not directly change the encoded amino acid sequence of the CDK5RAP2 protein. It affects a nucleotide within the consensus splice site.

Literature cited by the submitters: PubMed 17576681; PubMed 9536098.

NM_018249.6(CDK5RAP2):c.4605-3C>G

Gene: CDK5RAP2 (CDK5 regulatory subunit associated protein 2; minus strand). Cytogenetic location: 9q33.2.
Variant type: single nucleotide variant.
Coding change: c.4605-3C>G on transcript NM_018249.6 (MANE Select); 3 bases into the intron before coding-DNA position 4605, C replaced by G.
Molecular consequence: intron variant.
Genome position (GRCh38, 1-based): chr9:120,408,471, G>C on the plus strand (C>G on the coding strand, the complement: CDK5RAP2 is on the minus strand). VCF-style: chr9-120408471-G-C. GRCh37 (hg19) VCF-style: chr9-123170749-G-C.
Other names: c.3915-3C>G (NM_001272039.2); c.4605-3C>G (NM_001011649.3).
Identifiers: ClinVar variation 1934372 (VCV001934372.4), dbSNP rs1239477858, ClinGen allele CA2580079489.
Genomic context (GRCh38, chr9:120,408,471, plus strand): 5'-CAATAGCTTGTCATTCTGTGAGAGCAGCTGCTGCCTCAACTTCACCTCCTCCTGCACCCT[G>C]AGAAGGCCCCACAGGCATGAGAAGGACAGGTTAATTCTACCTCAGGGTAACTTATTCAAA-3'